The following is an entry in ClinVar:

ClinVar aggregate classification (germline): Uncertain significance. Review status: criteria provided, multiple submitters, no conflicts (2 of 4 stars). 5 submissions from 5 submitters: Uncertain significance (4). 1 of the submissions does not count toward it. Last evaluated 2025-12-08.

Conditions:
SOS2-related disorder. Also called: SOS2-related condition.
Noonan syndrome 9 (NS9). Identifiers: Orphanet 648, MedGen C4225282, MONDO:0014691, OMIM 616559.

Allele frequency attached by ClinVar (database versions not stated): ExAC 0.00006; ESP Exome Variant Server 0.00008; gnomAD 0.00009 and 0.00010; gnomAD exomes 0.00009 and 0.00024; TOPMed 0.00009.
gnomAD v4.1: 359 of 1,605,662 alleles (0.022%); highest among the groups gnomAD compares: Non-Finnish European, 0.03%; no homozygotes.

Submissions (5):

Labcorp Genetics (formerly Invitae), Labcorp
Classification: Uncertain significance for Noonan syndrome 9. Last evaluated: 2025-12-08. Review status: criteria provided, single submitter. Criteria: Invitae Variant Classification Sherloc (09022015). Collection method: clinical testing. Allele origin: germline.
Comment: This sequence change replaces arginine, which is basic and polar, with histidine, which is basic and polar, at codon 623 of the SOS2 protein (p.Arg623His). This variant is present in population databases (rs138459515, gnomAD 0.02%), and has an allele count higher than expected for a pathogenic variant. This variant has not been reported in the literature in individuals affected with SOS2-related conditions. ClinVar contains an entry for this variant (Variation ID: 542401). Invitae Evidence Modeling of protein sequence and biophysical properties (such as structural, functional, and spatial information, amino acid conservation, physicochemical variation, residue mobility, and thermodynamic stability) has been performed for this missense variant. However, the output from this modeling did not meet the statistical confidence thresholds required to predict the impact of this variant on SOS2 protein function. In summary, the available evidence is currently insufficient to determine the role of this variant in disease. Therefore, it has been classified as a Variant of Uncertain Significance.

St. Jude Molecular Pathology, St. Jude Children's Research Hospital
Classification: Uncertain significance for Noonan syndrome 9. Last evaluated: 2022-10-05. Review status: criteria provided, single submitter. Criteria: St. Jude Assertion Criteria 2020. Collection method: clinical testing. Allele origin: germline.
Comment: The SOS2 c.1868G>A (p.Arg623His) missense change has a maximum subpopulation frequency of 0.017% in gnomAD v2.1.1. The in silico tool REVEL is inconclusive about a pathogenic or benign effect of this variant on protein function, and to our knowledge functional studies have not been performed. To our knowledge, this variant has not been reported in individuals with Noonan syndrome. In summary, the evidence currently available is insufficient to determine the clinical significance of this variant. It has therefore been classified as of uncertain significance.

Clinical Genomics Laboratory, Stanford Medicine
Classification: Uncertain significance for Noonan syndrome 9. Last evaluated: 2021-06-11. Review status: criteria provided, single submitter. Criteria: ACMG Guidelines, 2015. Collection method: clinical testing. Allele origin: germline. Affected: yes. Observed: 1 heterozygote.
Comment: The p.Arg623His variant in the SOS2 gene has been previously reported in 1 individual with myelodysplastic syndrome (Lauhasurayotin et al., 2019). This variant has been identified in 22/128,178 European (non-Finnish) chromosomes (24/279,372 chromosomes overall) by the Genome Aggregation Database. Although this variant has been seen in the general population, it has not been observed at a high enough frequency to rule out pathogenicity. Computational tools do not predict that the p.Arg623His variant impacts protein function; however, the accuracy of in silico algorithms is limited. These data were assessed using the ACMG/AMP variant interpretation guidelines. In summary, the significance of the p.Arg623His variant is uncertain. Additional information is needed to resolve the significance of this variant. [ACMG evidence codes used: None

Genome-Nilou Lab
Classification: Uncertain significance for Noonan syndrome 9. Review status: criteria provided, single submitter. Criteria: ACMG Guidelines, 2015. Collection method: clinical testing. Allele origin: germline.

PreventionGenetics, part of Exact Sciences
Classification: Uncertain significance for SOS2-related condition. Last evaluated: 2024-09-25. Review status: no assertion criteria provided. Collection method: clinical testing. Allele origin: germline. Not counted in ClinVar's aggregate classification.
Comment: The SOS2 c.1868G>A variant is predicted to result in the amino acid substitution p.Arg623His. This variant has been reported in an individual tested for bone marrow failure (Lauhasurayotin et al. 2019. PubMed ID: 31839986). This variant is reported in 0.017% of alleles in individuals of European (Non-Finnish) descent in gnomAD, which is likely too high to be a primary cause of disease (Gelb et al. 2018. PubMed ID 29493581). Although we suspect that this variant may be benign, at this time, the clinical significance of this variant is uncertain due to the absence of conclusive functional and genetic evidence.

NM_006939.4(SOS2):c.1868G>A (p.Arg623His)

Gene: SOS2 (SOS Ras/Rho guanine nucleotide exchange factor 2; minus strand). Cytogenetic location: 14q21.3.
Variant type: single nucleotide variant.
Coding change: c.1868G>A on transcript NM_006939.4 (MANE Select); coding-DNA position 1868, G replaced by A.
Protein change: p.Arg623His; replaces arginine 623 with histidine.
Molecular consequence: missense variant.
Genome position (GRCh38, 1-based): chr14:50,158,631, C>T on the plus strand (G>A on the coding strand, the complement: SOS2 is on the minus strand). VCF-style: chr14-50158631-C-T. GRCh37 (hg19) VCF-style: chr14-50625349-C-T.
Other names: p.Arg623Hi; short protein forms R623H.
Identifiers: ClinVar variation 542401 (VCV000542401.14), dbSNP rs138459515, ClinGen allele CA7177219.
Genomic context (GRCh38, chr14:50,158,631, plus strand): 5'-ATCAGTAAGCTCAGCAATTCCTGTGGTTTACAAAATGAACGATATGTGGTAAGAAAAGTA[C>T]GAACAAAATTGGGATCTGAAAAGGCAGAGCATAAAATAGGTTTCATGTTTAATGTATTCA-3'
Protein context (NP_008870.2, residues 613-633): YHMYADPNFV[Arg623His]TFLTTYRSFC